The following is an entry in ClinVar:

NM_021922.3(FANCE):c.1480C>G (p.Leu494Val)

Gene: FANCE (FA complementation group E; plus strand). Cytogenetic location: 6p21.31.
Variant type: single nucleotide variant.
Coding change: c.1480C>G on transcript NM_021922.3 (MANE Select); coding-DNA position 1480, C replaced by G.
Protein change: p.Leu494Val; replaces leucine 494 with valine.
Molecular consequence: missense variant. On other transcripts: intron variant (1).
Genome position (GRCh38, 1-based): chr6:35,462,885, C>G. VCF-style: chr6-35462885-C-G. GRCh37 (hg19) VCF-style: chr6-35430662-C-G.
Other names: c.1316+3125C>G (NM_001410876.1); short protein forms L494V.
Identifiers: ClinVar variation 2537173 (VCV002537173.4), dbSNP rs777906695, ClinGen allele CA3771723.

ClinVar aggregate classification (germline): Uncertain significance. Review status: criteria provided, multiple submitters, no conflicts (2 of 4 stars). 2 submissions from 2 submitters: Uncertain significance (2). Last evaluated 2025-11-12.

Conditions:
Inborn genetic diseases. Identifiers: MedGen C0950123, MeSH D030342.
Fanconi anemia complementation group E (FANCE). Also called: FANCE-Related Fanconi Anemia. Identifiers: Orphanet 84, MedGen C3160739, MONDO:0010953, OMIM 600901.

Allele frequency attached by ClinVar (database versions not stated): gnomAD exomes below 0.00001; ExAC 0.00001; TOPMed 0.00002; gnomAD 0.00003.
gnomAD v4.1: 9 of 1,614,134 alleles (0.00056%); highest among the groups gnomAD compares: African/African-American, 0.0093%; no homozygotes.

Submissions (2):

Labcorp Genetics (formerly Invitae), Labcorp
Classification: Uncertain significance for Fanconi anemia complementation group E. Last evaluated: 2025-11-12. Review status: criteria provided, single submitter. Criteria: Invitae Variant Classification Sherloc (09022015). Collection method: clinical testing. Allele origin: germline.
Comment: This sequence change replaces leucine, which is neutral and non-polar, with valine, which is neutral and non-polar, at codon 494 of the FANCE protein (p.Leu494Val). This variant is present in population databases (rs777906695, gnomAD 0.007%). This variant has not been reported in the literature in individuals affected with FANCE-related conditions. ClinVar contains an entry for this variant (Variation ID: 2537173). Invitae Evidence Modeling of protein sequence and biophysical properties (such as structural, functional, and spatial information, amino acid conservation, physicochemical variation, residue mobility, and thermodynamic stability) indicates that this missense variant is expected to disrupt FANCE protein function with a positive predictive value of 80%. In summary, the available evidence is currently insufficient to determine the role of this variant in disease. Therefore, it has been classified as a Variant of Uncertain Significance.

Ambry Genetics
Classification: Uncertain significance for Inborn genetic diseases. Last evaluated: 2025-08-01. Review status: criteria provided, single submitter. Criteria: Ambry Variant Classification Scheme 2023. Collection method: clinical testing. Allele origin: germline.